The following is an entry in ClinVar:

ClinVar aggregate classification (germline): Uncertain significance (1 of 4 stars; one submission).

Conditions:
Pyruvate dehydrogenase E1-alpha deficiency (PDHAD). Also called: Ataxia, intermittent, with pyruvate dehydrogenase, or decarboxylase, deficiency; ATAXIA, INTERMITTENT, WITH PYRUVATE DEHYDROGENASE DEFICIENCY; ATAXIA WITH LACTIC ACIDOSIS I; ATAXIA, INTERMITTENT, WITH ABNORMAL PYRUVATE METABOLISM. Identifiers: Orphanet 79243, MedGen C1839413, MONDO:0010717, OMIM 312170.

Allele frequency attached by ClinVar (database versions not stated): ExAC 0.00001; gnomAD 0.00001; gnomAD exomes 0.00001; TOPMed 0.00001.
gnomAD v4.1: 8 of 1,208,042 alleles (0.00066%); highest among the groups gnomAD compares: South Asian, 0.0018%; no homozygotes.

Submission:

Labcorp Genetics (formerly Invitae), Labcorp
Classification: Uncertain significance for Pyruvate dehydrogenase E1-alpha deficiency. Last evaluated: 2022-03-22. Review status: criteria provided, single submitter. Criteria: Invitae Variant Classification Sherloc (09022015). Collection method: clinical testing. Allele origin: germline.
Comment: This sequence change replaces aspartic acid, which is acidic and polar, with asparagine, which is neutral and polar, at codon 356 of the PDHA1 protein (p.Asp356Asn). This variant is present in population databases (rs770669838, gnomAD 0.01%). This variant has not been reported in the literature in individuals affected with PDHA1-related conditions. Algorithms developed to predict the effect of missense changes on protein structure and function are either unavailable or do not agree on the potential impact of this missense change (SIFT: "Tolerated"; PolyPhen-2: "Possibly Damaging"; Align-GVGD: "Class C0"). In summary, the available evidence is currently insufficient to determine the role of this variant in disease. Therefore, it has been classified as a Variant of Uncertain Significance.

NM_000284.4(PDHA1):c.1066G>A (p.Asp356Asn)

Gene: PDHA1 (pyruvate dehydrogenase E1 subunit alpha 1; plus strand). Cytogenetic location: Xp22.12.
Variant type: single nucleotide variant.
Coding change: c.1066G>A on transcript NM_000284.4 (MANE Select); coding-DNA position 1066, G replaced by A.
Protein change: p.Asp356Asn; replaces aspartic acid 356 with asparagine.
Molecular consequence: missense variant.
Genome position (GRCh38, 1-based): chrX:19,359,546, G>A. VCF-style: chrX-19359546-G-A. GRCh37 (hg19) VCF-style: chrX-19377664-G-A.
Other names: c.1180G>A, p.Asp394Asn (NM_001173454.2); c.1087G>A, p.Asp363Asn (NM_001173455.2); c.973G>A, p.Asp325Asn (NM_001173456.2); short protein forms D363N, D325N, D356N, D394N.
Identifiers: ClinVar variation 1441818 (VCV001441818.5), dbSNP rs770669838, ClinGen allele CA10363208.